The following is an entry in ClinVar:

NM_000238.4(KCNH2):c.79C>G (p.Arg27Gly)

Gene: KCNH2 (potassium voltage-gated channel subfamily H member 2; minus strand). Cytogenetic location: 7q36.1.
Variant type: single nucleotide variant.
Coding change: c.79C>G on transcript NM_000238.4 (MANE Select); coding-DNA position 79, C replaced by G.
Protein change: p.Arg27Gly; replaces arginine 27 with glycine.
Molecular consequence: missense variant. On other transcripts: 5 prime UTR variant (1), non-coding transcript variant (1).
Genome position (GRCh38, 1-based): chr7:150,974,939, G>C on the plus strand (C>G on the coding strand, the complement: KCNH2 is on the minus strand). VCF-style: chr7-150974939-G-C. GRCh37 (hg19) VCF-style: chr7-150672027-G-C.
Other names: c.-99C>G (NM_001406755.1); c.79C>G, p.Arg27Gly (NM_172056.3); short protein forms R27G.
Identifiers: ClinVar variation 4693318 (VCV004693318.1).

ClinVar aggregate classification (germline): Uncertain significance (1 of 4 stars; one submission).

Conditions:
Long QT syndrome (LQTS). Identifiers: MedGen C0023976, MeSH D008133, MONDO:0002442. Disease mechanism: loss of function. Inheritance: Various modes of inheritance.

Submission:

Labcorp Genetics (formerly Invitae), Labcorp
Classification: Uncertain significance for Long QT syndrome. Last evaluated: 2025-06-10. Review status: criteria provided, single submitter. Criteria: Invitae Variant Classification Sherloc (09022015). Collection method: clinical testing. Allele origin: germline.
Comment: This sequence change replaces arginine, which is basic and polar, with glycine, which is neutral and non-polar, at codon 27 of the KCNH2 protein (p.Arg27Gly). This variant is not present in population databases (gnomAD no frequency). This variant has not been reported in the literature in individuals affected with KCNH2-related conditions. An algorithm developed to predict the effect of missense changes on protein structure and function (PolyPhen-2) suggests that this variant is likely to be tolerated. Experimental studies have shown that this missense change does not substantially affect KCNH2 function (PMID: 35688148). In summary, the available evidence is currently insufficient to determine the role of this variant in disease. Therefore, it has been classified as a Variant of Uncertain Significance.

Literature cited by the submitters: PubMed 35688148.